The following is an entry in ClinVar:

ClinVar aggregate classification (germline): Pathogenic (1 of 4 stars; one submission).

Submission:

Labcorp Genetics (formerly Invitae), Labcorp
Classification: Pathogenic. Last evaluated: 2022-02-01. Review status: criteria provided, single submitter. Criteria: Invitae Variant Classification Sherloc (09022015). Collection method: clinical testing. Allele origin: germline.
Comment: This variant disrupts the triple helix domain of COL2A1. Glycine residues within the Gly-Xaa-Yaa repeats of the triple helix domain are required for the structure and stability of fibrillar collagens (PMID: 7695699, 8218237, 19344236). In COL2A1, variants affecting these glycine residues are significantly enriched in individuals with disease (PMID: 9016532, 17078022) compared to the general population (ExAC). This variant results in the deletion of part of exon 35 (c.2344_2355+5del) of the COL2A1 gene. It is expected to disrupt RNA splicing. Variants that disrupt the donor or acceptor splice site typically lead to a loss of protein function (PMID: 16199547), and loss-of-function variants in COL2A1 are known to be pathogenic (PMID: 20179744). This variant is not present in population databases (gnomAD no frequency). This variant has been observed in individual(s) with Stickler syndrome (PMID: 30130436). Algorithms developed to predict the effect of sequence changes on RNA splicing suggest that this variant may disrupt the consensus splice site. For these reasons, this variant has been classified as Pathogenic.

Literature cited by the submitters: PubMed 7695699; PubMed 8218237; PubMed 19344236; PubMed 9016532; PubMed 17078022; PubMed 16199547; PubMed 20179744; PubMed 30130436.

NM_001844.5(COL2A1):c.2344_2355+5del

Gene: COL2A1 (collagen type II alpha 1 chain; minus strand). Cytogenetic location: 12q13.11.
Variant type: Deletion.
Coding change: c.2344_2355+5del on transcript NM_001844.5 (MANE Select); coding-DNA position 2344 through 5 bases into the intron after coding-DNA position 2355, 17 bases deleted (GATGGTGGACGAGTAAG).
Molecular consequence: splice donor variant.
Genome position (GRCh38, 1-based): chr12:47,982,102-47,982,118, CTTACTCGTCCACCATC deleted on the plus strand (GATGGTGGACGAGTAAG on the coding strand, the reverse complement: COL2A1 is on the minus strand); deleting any 17 consecutive bases within chr12:47,982,102-47,982,121 gives the same sequence; the c. name uses the placement nearest the transcript's 3' end. VCF-style (leftmost placement, unchanged base first): chr12-47982101-ACTTACTCGTCCACCATC-A. GRCh37 (hg19) VCF-style: chr12-48375884-ACTTACTCGTCCACCATC-A.
Other names: c.2137_2148+5del (NM_033150.3).
Identifiers: ClinVar variation 2152146 (VCV002152146.4), dbSNP rs2540131856, ClinGen allele CA2580085575.